The following is an entry in ClinVar:

NM_001148.6(ANK2):c.11300A>T (p.Glu3767Val)

Gene: ANK2 (ankyrin 2; plus strand). Cytogenetic location: 4q26.
Variant type: single nucleotide variant.
Coding change: c.11300A>T on transcript NM_001148.6 (MANE Select); coding-DNA position 11300, A replaced by T.
Protein change: p.Glu3767Val; replaces glutamic acid 3767 with valine.
Molecular consequence: missense variant.
Genome position (GRCh38, 1-based): chr4:113,367,833, A>T. VCF-style: chr4-113367833-A-T. GRCh37 (hg19) VCF-style: chr4-114288989-A-T.
Other names: c.5018A>T, p.Glu1673Val (NM_001127493.3); c.5057A>T, p.Glu1686Val (NM_001354225.2); c.4946A>T, p.Glu1649Val (NM_001354228.2, NM_001354258.2); c.5024A>T, p.Glu1675Val (NM_001354230.2); c.5087A>T, p.Glu1696Val (NM_001354231.2, NM_001354242.2); c.5081A>T, p.Glu1694Val (NM_001354232.2); c.5042A>T, p.Glu1681Val (NM_001354235.2, NM_001354246.2, NM_001354265.2); c.4943A>T, p.Glu1648Val (NM_001354236.2); and 35 more; short protein forms E1673V, E3767V, E1582V, E1587V, E1627V, E1635V, E1639V, E1648V.
Identifiers: ClinVar variation 347347 (VCV000347347.13), dbSNP rs773893598, ClinGen allele CA3052256.
Genomic context (GRCh38, chr4:113,367,833, plus strand): 5'-AGCAAGTTCAACAGGATTTCTCAGGGAAAATGCAAGACCTGCCTGAAGAGTCATCTCTGG[A>T]ATATCAGCAGGAATATTTGTGAGTTTCCAAAGAAAGCCTGTCAAATGTAATACCAAAGAA-3'
Protein context (NP_001139.3, residues 3757-3777): MQDLPEESSL[Glu3767Val]YQQEYFVTTP

ClinVar aggregate classification (germline): Conflicting classifications of pathogenicity. Review status: criteria provided, conflicting classifications (1 of 4 stars). 4 submissions from 4 submitters: Uncertain significance (3); Likely benign (1). Last evaluated 2025-09-30.

Conditions:
Cardiac arrhythmia, ankyrin-B-related. Also called: ANKYRIN-B SYNDROME. Identifiers: Orphanet 101016, Orphanet 768, MedGen C1970119, MONDO:0010958, OMIM 600919.
Ventricular tachycardia. Identifiers: MedGen C0042514, MONDO:0005477, HP:0004756.
Cardiovascular phenotype. Identifiers: MedGen CN230736.
Long QT syndrome (LQTS). Identifiers: MedGen C0023976, MeSH D008133, MONDO:0002442. Disease mechanism: loss of function. Inheritance: Various modes of inheritance.

Allele frequency attached by ClinVar (database versions not stated): gnomAD exomes below 0.00001 and 0.00001; ExAC 0.00001; gnomAD 0.00001; TOPMed 0.00001.
gnomAD v4.1: 3 of 1,614,032 alleles (0.00019%); highest among the groups gnomAD compares: Admixed American, 0.0017%; no homozygotes.

Submissions (4):

Labcorp Genetics (formerly Invitae), Labcorp
Classification: Uncertain significance for Long QT syndrome. Last evaluated: 2025-09-30. Review status: criteria provided, single submitter. Criteria: Invitae Variant Classification Sherloc (09022015). Collection method: clinical testing. Allele origin: germline.
Comment: This sequence change replaces glutamic acid, which is acidic and polar, with valine, which is neutral and non-polar, at codon 3767 of the ANK2 protein (p.Glu3767Val). This variant is present in population databases (rs773893598, gnomAD 0.002%). This variant has not been reported in the literature in individuals affected with ANK2-related conditions. ClinVar contains an entry for this variant (Variation ID: 347347). An algorithm developed to predict the effect of missense changes on protein structure and function (PolyPhen-2) suggests that this variant is likely to be tolerated. In summary, the available evidence is currently insufficient to determine the role of this variant in disease. Therefore, it has been classified as a Variant of Uncertain Significance.

Ambry Genetics
Classification: Uncertain significance for Cardiovascular phenotype. Last evaluated: 2023-02-16. Review status: criteria provided, single submitter. Criteria: Ambry Variant Classification Scheme 2023. Collection method: clinical testing. Allele origin: germline.
Comment: The p.E3767V variant (also known as c.11300A>T), located in coding exon 42 of the ANK2 gene, results from an A to T substitution at nucleotide position 11300. The glutamic acid at codon 3767 is replaced by valine, an amino acid with dissimilar properties. This amino acid position is conserved. In addition, the in silico prediction for this alteration is inconclusive. Since supporting evidence is limited at this time, the clinical significance of this alteration remains unclear.

Center for Advanced Laboratory Medicine, UC San Diego Health, University of California San Diego
Classification: Likely benign for Ventricular tachycardia. Last evaluated: 2019-05-14. Review status: criteria provided, single submitter. Criteria: ACMG Guidelines, 2015. Collection method: clinical testing. Allele origin: germline. Affected: yes. Observed: 1 variant allele.

Illumina Laboratory Services, Illumina
Classification: Uncertain significance for Cardiac arrhythmia, ankyrin-B-related. Last evaluated: 2018-01-13. Review status: criteria provided, single submitter. Criteria: ICSL Variant Classification Criteria 13 December 2019. Collection method: clinical testing. Allele origin: germline.